The following is an entry in ClinVar:

NM_000492.4(CFTR):c.4007A>C (p.Asp1336Ala)

Gene: CFTR (CF transmembrane conductance regulator; plus strand). Cytogenetic location: 7q31.2.
Variant type: single nucleotide variant.
Coding change: c.4007A>C on transcript NM_000492.4 (MANE Select); coding-DNA position 4007, A replaced by C.
Protein change: p.Asp1336Ala; replaces aspartic acid 1336 with alanine.
Molecular consequence: missense variant.
Genome position (GRCh38, 1-based): chr7:117,664,731, A>C. VCF-style: chr7-117664731-A-C. GRCh37 (hg19) VCF-style: chr7-117304785-A-C.
Other names: short protein forms D1336A.
Identifiers: ClinVar variation 1736974 (VCV001736974.2), dbSNP rs2485181697, ClinGen allele CA368982148.

ClinVar aggregate classification (germline): Uncertain significance (1 of 4 stars; one submission).

Conditions:
Cystic fibrosis (CF). Also called: MUCOVISCIDOSIS. Identifiers: Orphanet 586, MedGen C0010674, MONDO:0009061, OMIM 219700. Disease mechanism: loss of function.

Submission:

Ambry Genetics
Classification: Uncertain significance for Cystic fibrosis. Last evaluated: 2021-07-08. Review status: criteria provided, single submitter. Criteria: Ambry Variant Classification Scheme 2023. Collection method: clinical testing. Allele origin: germline.
Comment: The p.D1336A variant (also known as c.4007A>C), located in coding exon 25 of the CFTR gene, results from an A to C substitution at nucleotide position 4007. The aspartic acid at codon 1336 is replaced by alanine, an amino acid with dissimilar properties. This amino acid position is conserved. In addition, this alteration is predicted to be deleterious by in silico analysis. Since supporting evidence is limited at this time, the clinical significance of this alteration remains unclear.